The following is an entry in ClinVar:

ClinVar aggregate classification (germline): Pathogenic/Likely pathogenic. Review status: criteria provided, multiple submitters, no conflicts (2 of 4 stars). 3 submissions from 3 submitters: Pathogenic (2); Likely pathogenic (1). Last evaluated 2024-12-12.

Conditions:
Breast-ovarian cancer, familial, susceptibility to, 5 (BROVCA5). Identifiers: MedGen C5830615, MONDO:0957530, OMIM 620442.
Familial cancer of breast. Also called: hereditary breast carcinoma; Hereditary breast cancer; BREAST CANCER, FAMILIAL. Identifiers: Orphanet 227535, MedGen C0346153, MONDO:0016419, OMIM 114480. Disease mechanism: loss of function.

Submissions (3):

Dasa
Classification: Pathogenic for Breast-ovarian cancer, familial, susceptibility to, 5. Last evaluated: 2024-12-12. Review status: criteria provided, single submitter. Criteria: DASA Assertion Criteria. Collection method: clinical testing. Allele origin: germline.
Comment: NM_024675.4(PALB2):c.625del (p.Ser209Leufs*14) is a frameshift variant in PALB2 predicted to alter the reading frame and introduce a premature termination codon and is predicted to result in an absent or altered protein product. Loss of function is an established disease mechanism for PALB2 (PMID: 17200668; PMID: 25099575; PMID: 31841383). The affected residue or protein region has prior evidence supporting clinical relevance. Also, this variant is absent from population databases. Based on the currently available evidence, this variant is classified as pathogenic.

Baylor Genetics
Classification: Likely pathogenic for Familial cancer of breast. Last evaluated: 2022-01-04. Review status: criteria provided, single submitter. Criteria: ACMG Guidelines, 2015. Collection method: clinical testing. Allele origin: unknown.

Mendelics
Classification: Pathogenic for Familial cancer of breast. Last evaluated: 2019-05-28. Review status: criteria provided, single submitter. Criteria: Mendelics Assertion Criteria 2017. Collection method: clinical testing. Allele origin: unknown.

Literature cited by the submitters: PubMed 17200668 (cited by Dasa); PubMed 25099575 (cited by Dasa); PubMed 31841383 (cited by Dasa).

NM_024675.4(PALB2):c.625del (p.Ser209fs)

Gene: PALB2 (partner and localizer of BRCA2; minus strand). Cytogenetic location: 16p12.2.
Variant type: Deletion.
Coding change: c.625del on transcript NM_024675.4 (MANE Select); coding-DNA position 625, one base deleted (T; older notation c.625delT).
Protein change: p.Ser209fs; shifts the reading frame from serine 209.
Molecular consequence: frameshift variant.
Genome position (GRCh38, 1-based): chr16:23,635,921, A deleted on the plus strand (T on the coding strand, the reverse complement: PALB2 is on the minus strand); the first of 2 consecutive A bases (chr16:23,635,921-23,635,922); deleting either gives the same sequence. VCF-style (leftmost placement, unchanged base first): chr16-23635920-GA-G. GRCh37 (hg19) VCF-style: chr16-23647241-GA-G.
Other names: short protein forms S209fs.
Identifiers: ClinVar variation 803239 (VCV000803239.5), dbSNP rs1597098739, ClinGen allele CA915949214.
Genomic context (GRCh38, chr16:23,635,920, plus strand): 5'-GGTTGGGCAGTTGGTGGAATTAATACACTGTCTTCATTAATTTCTGTAACTGGTTCTGGA[GA>G]ATCTGGAAGTTCAGATTTAAGACTTAAAAGGTGAGTTCTTATTTCAGTTACTGGTGATCT-3'